The following is an entry in ClinVar:

ClinVar aggregate classification (germline): Benign/Likely benign. Review status: criteria provided, multiple submitters, no conflicts (2 of 4 stars). 5 submissions from 5 submitters: Benign (1); Likely benign (3). 1 of the submissions does not count toward it. Last evaluated 2024-11-26.

Conditions:
PROC-related disorder. Also called: PROC-related condition.
Thrombophilia due to protein C deficiency, autosomal dominant. Also called: PROC DEFICIENCY, AUTOSOMAL DOMINANT; PROTEIN C DEFICIENCY, AUTOSOMAL DOMINANT. Identifiers: Orphanet 745, MedGen C2674321, MONDO:0008316, OMIM 176860. Disease mechanism: loss of function.

Allele frequency attached by ClinVar (database versions not stated): gnomAD exomes 0.00084 and 0.00171; ExAC 0.00130; gnomAD 0.00810 and 0.00873; 1000 Genomes Project 0.00839; 1000 Genomes Project 30x 0.00874; TOPMed 0.00900.
gnomAD v4.1: 2,209 of 1,289,792 alleles (0.17%); highest among the groups gnomAD compares: African/African-American, 2.8%; 26 homozygotes.

Submissions (5):

Blueprint Genetics
Classification: Likely benign. Last evaluated: 2024-11-26. Review status: criteria provided, single submitter. Criteria: ACMG Guidelines, 2015. Collection method: clinical testing. Allele origin: germline.

Mayo Clinic Laboratories, Mayo Clinic
Classification: Benign. Last evaluated: 2021-10-28. Review status: criteria provided, single submitter. Criteria: ACMG Guidelines, 2015. Collection method: clinical testing. Allele origin: germline. Observed: 4 variant alleles.
Comment: BS1, BS2, BP4, BP6, BP7

Illumina Laboratory Services, Illumina
Classification: Likely benign for Thrombophilia due to protein C deficiency, autosomal dominant. Last evaluated: 2018-01-12. Review status: criteria provided, single submitter. Criteria: ICSL Variant Classification Criteria 13 December 2019. Collection method: clinical testing. Allele origin: germline.
Comment: This variant was observed in the ICSL laboratory as part of a predisposition screen in an ostensibly healthy population. It had not been previously curated by ICSL or reported in the Human Gene Mutation Database (HGMD: prior to June 1st, 2018), and was therefore a candidate for classification through an automated scoring system. Utilizing variant allele frequency, disease prevalence and penetrance estimates, and inheritance mode, an automated score was calculated to assess if this variant is too frequent to cause the disease. Based on the score and internal cut-off values, a variant classified as likely benign is not then subjected to further curation. The score for this variant resulted in a classification of likely benign for this disease.

Breakthrough Genomics
Classification: Likely benign. Review status: criteria provided, single submitter. Criteria: ACMG Guidelines, 2015. Collection method: not provided. Allele origin: germline. Inheritance: Autosomal recessive inheritance. Affected: yes.

PreventionGenetics, part of Exact Sciences
Classification: Benign for PROC-related condition. Last evaluated: 2019-05-21. Review status: no assertion criteria provided. Collection method: clinical testing. Allele origin: germline. Not counted in ClinVar's aggregate classification.
Comment: This variant is classified as benign based on ACMG/AMP sequence variant interpretation guidelines (Richards et al. 2015 PMID: 25741868, with internal and published modifications).

NM_000312.4(PROC):c.-33C>T

Gene: PROC (protein C, inactivator of coagulation factors Va and VIIIa; plus strand). Cytogenetic location: 2q14.3.
Variant type: single nucleotide variant.
Coding change: c.-33C>T on transcript NM_000312.4 (MANE Select); 33 bases upstream of the start codon, C replaced by T.
Molecular consequence: 5 prime UTR variant. On other transcripts: missense variant (6).
Genome position (GRCh38, 1-based): chr2:127,418,481, C>T. VCF-style: chr2-127418481-C-T. GRCh37 (hg19) VCF-style: chr2-128176057-C-T.
Other names: c.35C>T, p.Thr12Met (NM_001375602.1, NM_001375603.1, NM_001375604.1 and 3 more transcripts); c.-33C>T (NM_001375605.1, NM_001375608.1, NM_001375610.1); c.-49C>T (NM_001375611.1); short protein forms T12M.
Identifiers: ClinVar variation 331100 (VCV000331100.10), dbSNP rs116169054, ClinGen allele CA1859167.